The following is an entry in ClinVar:

NM_001111125.3(IQSEC2):c.2012G>A (p.Gly671Glu)

Gene: IQSEC2 (IQ motif and Sec7 domain ArfGEF 2; minus strand). Cytogenetic location: Xp11.22.
Variant type: single nucleotide variant.
Coding change: c.2012G>A on transcript NM_001111125.3 (MANE Select); coding-DNA position 2012, G replaced by A.
Protein change: p.Gly671Glu; replaces glycine 671 with glutamic acid.
Molecular consequence: missense variant.
Genome position (GRCh38, 1-based): chrX:53,250,564, C>T on the plus strand (G>A on the coding strand, the complement: IQSEC2 is on the minus strand). VCF-style: chrX-53250564-C-T. GRCh37 (hg19) VCF-style: chrX-53279746-C-T.
Other names: c.2012G>A, p.Gly671Glu (NM_001410736.1); c.1397G>A, p.Gly466Glu (NM_015075.2); short protein forms G466E, G671E.
Identifiers: ClinVar variation 2504885 (VCV002504885.1), dbSNP rs2519800529, ClinGen allele CA413162626.

ClinVar aggregate classification (germline): Uncertain significance (1 of 4 stars; one submission).

Submission:

GeneDx
Classification: Uncertain significance. Last evaluated: 2022-12-07. Review status: criteria provided, single submitter. Criteria: GeneDx Variant Classification Process June 2021. Collection method: clinical testing. Allele origin: germline. Affected: yes.
Comment: Not observed at significant frequency in large population cohorts (gnomAD); In silico analysis supports that this missense variant does not alter protein structure/function; Has not been previously published as pathogenic or benign to our knowledge